The following is an entry in ClinVar:

ClinVar aggregate classification (germline): Uncertain significance (1 of 4 stars; one submission).

Conditions:
Emery-Dreifuss muscular dystrophy 4, autosomal dominant (EDMD4). Also called: EMERY-DREIFUSS MUSCULAR DYSTROPHY 4 WITH VARIABLE FEATURES. Identifiers: Orphanet 261, MedGen C2751807, MONDO:0013071, OMIM 612998.
Autosomal recessive ataxia, Beauce type. Also called: SYNE1-Related Autosomal Recessive Cerebellar Ataxia; Spinocerebellar ataxia, autosomal recessive 8; ATAXIA, RECESSIVE, OF BEAUCE; SYNE1 Deficiency. Identifiers: Orphanet 88644, MedGen C1853116, MONDO:0012549, OMIM 610743.

Submission:

Labcorp Genetics (formerly Invitae), Labcorp
Classification: Uncertain significance for Emery-Dreifuss muscular dystrophy 4, autosomal dominant; Autosomal recessive ataxia, Beauce type. Last evaluated: 2023-07-07. Review status: criteria provided, single submitter. Criteria: Invitae Variant Classification Sherloc (09022015). Collection method: clinical testing. Allele origin: germline.
Comment: This sequence change replaces glutamic acid, which is acidic and polar, with glycine, which is neutral and non-polar, at codon 4402 of the SYNE1 protein (p.Glu4402Gly). This variant is not present in population databases (gnomAD no frequency). This variant has not been reported in the literature in individuals affected with SYNE1-related conditions. ClinVar contains an entry for this variant (Variation ID: 1384603). An algorithm developed to predict the effect of missense changes on protein structure and function (PolyPhen-2) suggests that this variant is likely to be disruptive. In summary, the available evidence is currently insufficient to determine the role of this variant in disease. Therefore, it has been classified as a Variant of Uncertain Significance.

NM_182961.4(SYNE1):c.13418A>G (p.Glu4473Gly)

Gene: SYNE1 (spectrin repeat containing nuclear envelope protein 1; minus strand). Cytogenetic location: 6q25.2.
Variant type: single nucleotide variant.
Coding change: c.13418A>G on transcript NM_182961.4 (MANE Select); coding-DNA position 13418, A replaced by G.
Protein change: p.Glu4473Gly; replaces glutamic acid 4473 with glycine.
Molecular consequence: missense variant.
Genome position (GRCh38, 1-based): chr6:152,331,267, T>C on the plus strand (A>G on the coding strand, the complement: SYNE1 is on the minus strand). VCF-style: chr6-152331267-T-C. GRCh37 (hg19) VCF-style: chr6-152652402-T-C.
Other names: c.13205A>G, p.Glu4402Gly (NM_033071.5); short protein forms E4402G, E4473G.
Identifiers: ClinVar variation 1384603 (VCV001384603.6), dbSNP rs1202464044, ClinGen allele CA366101729.